The following is an entry in ClinVar:

NM_000138.5(FBN1):c.3721_3732del (p.Glu1241_Asp1244del)

Gene: FBN1 (fibrillin 1; minus strand). Cytogenetic location: 15q21.1.
Variant type: Deletion.
Coding change: c.3721_3732del on transcript NM_000138.5 (MANE Select); coding-DNA positions 3721 to 3732, 12 bases deleted (GAGTGTGAAGAT).
Protein change: p.Glu1241_Asp1244del.
Molecular consequence: inframe deletion. On other transcripts: inframe indel (1).
Genome position (GRCh38, 1-based): chr15:48,483,924-48,483,935, ATCTTCACACTC deleted on the plus strand (GAGTGTGAAGAT on the coding strand, the reverse complement: FBN1 is on the minus strand); deleting any 12 consecutive bases within chr15:48,483,924-48,483,938 gives the same sequence; the c. name uses the placement nearest the transcript's 3' end. VCF-style (leftmost placement, unchanged base first): chr15-48483923-TATCTTCACACTC-T. GRCh37 (hg19) VCF-style: chr15-48776120-TATCTTCACACTC-T.
Other names: c.3718_3729delGATGAGTGTGAA, p.Glu1241_Asp1244del (NM_001406716.1).
Identifiers: ClinVar variation 2027928 (VCV002027928.4), dbSNP rs2505541153, ClinGen allele CA2580089573.

ClinVar aggregate classification (germline): Pathogenic (1 of 4 stars; one submission).

Conditions:
Familial thoracic aortic aneurysm and aortic dissection (TAAD). Also called: Thoracic aortic aneurysms and dissections. Identifiers: Orphanet 91387, MedGen C4707243, MONDO:0019625.
Marfan syndrome (MFS). Also called: MARFAN SYNDROME, TYPE I; Marfan syndrome type 1; Marfan's syndrome; Marfan syndrome, classic; FBN1-Related Marfan Syndrome. Identifiers: Orphanet 284963, Orphanet 558, MedGen C0024796, MONDO:0007947, OMIM 154700.

Submission:

Labcorp Genetics (formerly Invitae), Labcorp
Classification: Pathogenic for Marfan syndrome; Familial thoracic aortic aneurysm and aortic dissection. Last evaluated: 2022-08-30. Review status: criteria provided, single submitter. Criteria: Invitae Variant Classification Sherloc (09022015). Collection method: clinical testing. Allele origin: germline.
Comment: This variant has been observed in individual(s) with clinical features of Marfan syndrome (Invitae). This variant is not present in population databases (gnomAD no frequency). This variant, c.3721_3732del, results in the deletion of 4 amino acid(s) of the FBN1 protein (p.Glu1241_Asp1244del), but otherwise preserves the integrity of the reading frame. For these reasons, this variant has been classified as Pathogenic. This variant affects a cysteine residue in the EGF-like, TGFBP or hybrid motif domains of FBN1. Cysteine residues are believed to be involved in intramolecular disulfide bridges and have been shown to be important for FBN1 protein structure (PMID: 16905551, 19349279). In addition, missense substitutions affecting cysteine residues within these domains are significantly overrepresented among patients with Marfan syndrome (PMID: 16571647, 17701892).

Literature cited by the submitters: PubMed 16905551; PubMed 19349279; PubMed 16571647; PubMed 17701892.